The following is an entry in ClinVar:

NM_006060.6(IKZF1):c.485G>A (p.Arg162Gln)

Gene: IKZF1 (IKAROS family zinc finger 1; plus strand). Cytogenetic location: 7p12.2.
Variant type: single nucleotide variant.
Coding change: c.485G>A on transcript NM_006060.6 (MANE Select); coding-DNA position 485, G replaced by A.
Protein change: p.Arg162Gln; replaces arginine 162 with glutamine.
Molecular consequence: missense variant. On other transcripts: intron variant (6).
Genome position (GRCh38, 1-based): chr7:50,382,603, G>A. VCF-style: chr7-50382603-G-A. GRCh37 (hg19) VCF-style: chr7-50450301-G-A.
Other names: c.485G>A, p.Arg162Gln (NM_001220765.3, NM_001220768.2, NM_001291837.2); c.224G>A, p.Arg75Gln (NM_001220767.2, NM_001220770.2, NM_001291838.2 and 1 more transcripts); c.421+5810G>A (NM_001220771.2); c.161-4742G>A (NM_001291841.1, NM_001291842.1); c.161-9126G>A (NM_001291843.1, NM_001291844.1); c.161-17315G>A (NM_001291840.1); short protein forms R162Q, R75Q.
Identifiers: ClinVar variation 224779 (VCV000224779.5), dbSNP rs770551610, ClinGen allele CA353696.

ClinVar aggregate classification (germline): Pathogenic. Review status: criteria provided, single submitter (1 of 4 stars). 2 submissions from 2 submitters: Pathogenic (1). 1 of the submissions does not count toward it. Last evaluated 2023-11-24.

Conditions:
Pancytopenia due to IKZF1 mutations. Also called: Immunodeficiency, common variable, 13. Identifiers: Orphanet 317473, MedGen C4225173, MONDO:0014810, OMIM 616873.

Allele frequency attached by ClinVar (database versions not stated): gnomAD exomes below 0.00001; ExAC 0.00001.

Submissions (2):

Labcorp Genetics (formerly Invitae), Labcorp
Classification: Pathogenic. Last evaluated: 2023-11-24. Review status: criteria provided, single submitter. Criteria: Invitae Variant Classification Sherloc (09022015). Collection method: clinical testing. Allele origin: germline.
Comment: This sequence change replaces arginine, which is basic and polar, with glutamine, which is neutral and polar, at codon p.Arg162 of the IKZF1 protein (p.Arg162Gln). This variant is not present in population databases (gnomAD no frequency). This missense change has been observed in individual(s) with common variable immunodeficiency (PMID: 26981933, 27939403, 35566429). It has also been observed to segregate with disease in related individuals. ClinVar contains an entry for this variant (Variation ID: 224779). Algorithms developed to predict the effect of variants on protein structure and function are not available or were not evaluated for this variant. Experimental studies have shown that this missense change affects IKZF1 function (PMID: 26981933, 27939403, 31057532). For these reasons, this variant has been classified as Pathogenic.

OMIM
Classification: Pathogenic for IMMUNODEFICIENCY, COMMON VARIABLE, 13. Last evaluated: 2016-08-25. Review status: no assertion criteria provided. Collection method: literature only. Allele origin: germline. Not counted in ClinVar's aggregate classification.

Literature cited by the submitters: PubMed 26981933 (cited by Labcorp Genetics (formerly Invitae), Labcorp and OMIM); PubMed 27939403 (cited by Labcorp Genetics (formerly Invitae), Labcorp); PubMed 35566429 (cited by Labcorp Genetics (formerly Invitae), Labcorp); PubMed 31057532 (cited by Labcorp Genetics (formerly Invitae), Labcorp).